The following is an entry in ClinVar:

ClinVar aggregate classification (germline): Uncertain significance (1 of 4 stars; one submission).

Conditions:
Tuberous sclerosis 2 (TSC2). Identifiers: Orphanet 805, MedGen C1860707, MONDO:0013199, OMIM 613254.

Submission:

Labcorp Genetics (formerly Invitae), Labcorp
Classification: Uncertain significance for Tuberous sclerosis 2. Last evaluated: 2021-06-17. Review status: criteria provided, single submitter. Criteria: Invitae Variant Classification Sherloc (09022015). Collection method: clinical testing. Allele origin: germline.
Comment: In summary, the available evidence is currently insufficient to determine the role of this variant in disease. Therefore, it has been classified as a Variant of Uncertain Significance. Algorithms developed to predict the effect of missense changes on protein structure and function are either unavailable or do not agree on the potential impact of this missense change (SIFT: "Deleterious"; PolyPhen-2: "Possibly Damaging"; Align-GVGD: "Class C0"). This variant has not been reported in the literature in individuals with TSC2-related conditions. This variant is not present in population databases (ExAC no frequency). This sequence change replaces proline with arginine at codon 874 of the TSC2 protein (p.Pro874Arg). The proline residue is highly conserved and there is a moderate physicochemical difference between proline and arginine.

NM_000548.5(TSC2):c.2621C>G (p.Pro874Arg)

Gene: TSC2 (TSC complex subunit 2; plus strand). Cytogenetic location: 16p13.3.
Variant type: single nucleotide variant.
Coding change: c.2621C>G on transcript NM_000548.5 (MANE Select); coding-DNA position 2621, C replaced by G.
Protein change: p.Pro874Arg; replaces proline 874 with arginine.
Molecular consequence: missense variant.
Genome position (GRCh38, 1-based): chr16:2,075,874, C>G. VCF-style: chr16-2075874-C-G. GRCh37 (hg19) VCF-style: chr16-2125875-C-G.
Other names: c.2621C>G, p.Pro874Arg (NM_001077183.3, NM_001114382.3, NM_001363528.2 and 3 more transcripts); c.2510C>G, p.Pro837Arg (NM_001318827.2); c.2474C>G, p.Pro825Arg (NM_001318829.2); c.2021C>G, p.Pro674Arg (NM_001318831.2); c.2654C>G, p.Pro885Arg (NM_001318832.2); short protein forms P837R, P885R, P874R, P825R, P674R.
Identifiers: ClinVar variation 1362010 (VCV001362010.8), dbSNP rs138527121, ClinGen allele CA394278453.
Genomic context (GRCh38, chr16:2,075,874, plus strand): 5'-CGCACCTCTACAGGAACTTTGCCGCGGAGCAGTATGCCAGTGTGTTCGCCATCTCCCTGC[C>G]GTACACCAACCCCTCCAAGTGAGTGGTCGCCCCAGGCCCTGTGCCTCCCAGCCGTGGCCC-3'
Protein context (NP_000539.2, residues 864-884): QYASVFAISL[Pro874Arg]YTNPSKFNQY